The following is an entry in ClinVar:

ClinVar aggregate classification (germline): Pathogenic (1 of 4 stars; one submission).

Conditions:
Osteogenesis imperfecta type I (OI1). Also called: Lobstein disease; Osteogenesis imperfecta type 1; OI, TYPE I; OSTEOGENESIS IMPERFECTA TARDA; OSTEOGENESIS IMPERFECTA WITH BLUE SCLERAE; Lobstein's Disease. Identifiers: Orphanet 216796, Orphanet 666, MedGen C0023931, MONDO:0008146, OMIM 166200. Disease mechanism: loss of function.

Submission:

Labcorp Genetics (formerly Invitae), Labcorp
Classification: Pathogenic for Osteogenesis imperfecta type I. Last evaluated: 2024-02-04. Review status: criteria provided, single submitter. Criteria: Invitae Variant Classification Sherloc (09022015). Collection method: clinical testing. Allele origin: germline.
Comment: This sequence change creates a premature translational stop signal (p.Gly896Trpfs*17) in the COL1A1 gene. It is expected to result in an absent or disrupted protein product. Loss-of-function variants in COL1A1 are known to be pathogenic (PMID: 7942841, 9295084, 9443882). This variant is not present in population databases (gnomAD no frequency). This premature translational stop signal has been observed in individuals with osteogenesis imperfecta (PMID: 30886339; Invitae). ClinVar contains an entry for this variant (Variation ID: 576323). For these reasons, this variant has been classified as Pathogenic.

Literature cited by the submitters: PubMed 7942841; PubMed 9295084; PubMed 9443882; PubMed 30886339.

NM_000088.4(COL1A1):c.2684dup (p.Gly896fs)

Gene: COL1A1 (collagen type I alpha 1 chain; minus strand). Cytogenetic location: 17q21.33.
Variant type: Duplication.
Coding change: c.2684dup on transcript NM_000088.4 (MANE Select); coding-DNA position 2684, one base duplicated (C; older notation c.2684dupC).
Protein change: p.Gly896fs; shifts the reading frame from glycine 896.
Molecular consequence: frameshift variant.
Genome position (GRCh38, 1-based): chr17:50,189,522, G duplicated on the plus strand (C on the coding strand, the reverse complement: COL1A1 is on the minus strand); the first of 5 consecutive G bases (chr17:50,189,522-50,189,526); duplicating any one gives the same sequence. VCF-style (leftmost placement, unchanged base first): chr17-50189521-A-AG. GRCh37 (hg19) VCF-style: chr17-48266882-A-AG.
Other names: c.2684dupC (NM_000088.3); short protein forms G896fs.
Identifiers: ClinVar variation 576323 (VCV000576323.7), dbSNP rs72653151, ClinGen allele CA891843991.